The following is an entry in ClinVar:

ClinVar aggregate classification (germline): Benign/Likely benign. Review status: criteria provided, multiple submitters, no conflicts (2 of 4 stars). 10 submissions from 10 submitters: Benign (1); Likely benign (5). 4 of the submissions do not count toward it. Last evaluated 2025-12-24.

Conditions:
CACNA1G-related disorder. Also called: CACNA1G-related disorders; CACNA1G-related condition.
Inborn genetic diseases. Identifiers: MedGen C0950123, MeSH D030342.

Allele frequency attached by ClinVar (database versions not stated): 1000 Genomes Project 0.00020; 1000 Genomes Project 30x 0.00031; gnomAD 0.00073; TOPMed 0.00079.
gnomAD v4.1: 506 of 1,576,316 alleles (0.032%); highest among the groups gnomAD compares: Middle Eastern, 0.48%; 1 homozygote.

Submissions (10):

Labcorp Genetics (formerly Invitae), Labcorp
Classification: Likely benign. Last evaluated: 2025-12-24. Review status: criteria provided, single submitter. Criteria: Invitae Variant Classification Sherloc (09022015). Collection method: clinical testing. Allele origin: germline.

Blueprint Genetics
Classification: Likely benign. Last evaluated: 2024-11-22. Review status: criteria provided, single submitter. Criteria: ACMG Guidelines, 2015. Collection method: clinical testing. Allele origin: germline.

CeGaT Center for Human Genetics Tuebingen
Classification: Likely benign. Last evaluated: 2024-09-01. Review status: criteria provided, single submitter. Criteria: CeGaT Center For Human Genetics Tuebingen Variant Classification Criteria Version 2. Collection method: clinical testing. Allele origin: germline. Affected: yes. Observed: 2 variant alleles.
Comment: CACNA1G: BS1

Ambry Genetics
Classification: Likely benign for Inborn genetic diseases. Last evaluated: 2021-05-24. Review status: criteria provided, single submitter. Criteria: Ambry Variant Classification Scheme 2023. Collection method: clinical testing. Allele origin: germline.

GeneDx
Classification: Benign. Last evaluated: 2021-05-10. Review status: criteria provided, single submitter. Criteria: GeneDx Variant Classification Process June 2021. Collection method: clinical testing. Allele origin: germline. Affected: yes.

Breakthrough Genomics
Classification: Likely benign. Review status: criteria provided, single submitter. Criteria: ACMG Guidelines, 2015. Collection method: not provided. Allele origin: germline. Inheritance: Autosomal dominant inheritance. Affected: yes.

PreventionGenetics, part of Exact Sciences
Classification: Likely benign for CACNA1G-related condition. Last evaluated: 2023-02-13. Review status: no assertion criteria provided. Collection method: clinical testing. Allele origin: germline. Not counted in ClinVar's aggregate classification.
Comment: This variant is classified as likely benign based on ACMG/AMP sequence variant interpretation guidelines (Richards et al. 2015 PMID: 25741868, with internal and published modifications).

Clinical Genetics DNA and cytogenetics Diagnostics Lab, Erasmus MC, Erasmus Medical Center
Classification: Likely benign. Review status: no assertion criteria provided. Collection method: clinical testing. Allele origin: germline. Affected: yes. Study: VKGL Data-share Consensus. Not counted in ClinVar's aggregate classification.

Genome Diagnostics Laboratory, University Medical Center Utrecht
Classification: Likely benign. Review status: no assertion criteria provided. Collection method: clinical testing. Allele origin: germline. Affected: yes. Study: VKGL Data-share Consensus. Not counted in ClinVar's aggregate classification.

Laboratory of Diagnostic Genome Analysis, Leiden University Medical Center (LUMC)
Classification: Likely benign. Review status: no assertion criteria provided. Collection method: clinical testing. Allele origin: germline. Affected: yes. Study: VKGL Data-share Consensus. Not counted in ClinVar's aggregate classification.

NM_018896.5(CACNA1G):c.1646G>C (p.Gly549Ala)

Gene: CACNA1G (calcium voltage-gated channel subunit alpha1 G; plus strand). Cytogenetic location: 17q21.33.
Variant type: single nucleotide variant.
Coding change: c.1646G>C on transcript NM_018896.5 (MANE Select); coding-DNA position 1646, G replaced by C.
Protein change: p.Gly549Ala; replaces glycine 549 with alanine.
Molecular consequence: missense variant. On other transcripts: non-coding transcript variant (5).
Genome position (GRCh38, 1-based): chr17:50,576,048, G>C. VCF-style: chr17-50576048-G-C. GRCh37 (hg19) VCF-style: chr17-48653409-G-C.
Other names: c.1646G>C, p.Gly549Ala (NM_001256324.2, NM_001256325.2, NM_001256326.2 and 24 more transcripts); c.1646G>C (NM_018896.3); short protein forms G549A.
Identifiers: ClinVar variation 733508 (VCV000733508.39), dbSNP rs527691624, ClinGen allele CA8652213.
Genomic context (GRCh38, chr17:50,576,048, plus strand): 5'-CCCGCCGGCTCATGCTGCCACCACCCTCGACGCCTGCCCTCTCCGGGGCCCCCCCTGGTG[G>C]CGCAGAGTCTGTGCACAGCTTCTACCATGCCGACTGCCACTTAGAGCCAGTCCGCTGCCA-3'
Protein context (NP_061496.2, residues 539-559): TPALSGAPPG[Gly549Ala]AESVHSFYHA